The following is an entry in ClinVar:

NM_000372.5(TYR):c.635G>A (p.Arg212Lys)

Gene: TYR (tyrosinase; plus strand). Cytogenetic location: 11q14.3.
Variant type: single nucleotide variant.
Coding change: c.635G>A on transcript NM_000372.5 (MANE Select); coding-DNA position 635, G replaced by A.
Protein change: p.Arg212Lys; replaces arginine 212 with lysine.
Molecular consequence: missense variant.
Genome position (GRCh38, 1-based): chr11:89,178,588, G>A. VCF-style: chr11-89178588-G-A. GRCh37 (hg19) VCF-style: chr11-88911756-G-A.
Other names: short protein forms R212K.
Identifiers: ClinVar variation 437182 (VCV000437182.18), dbSNP rs377209424, ClinGen allele CA6221160.

ClinVar aggregate classification (germline): Pathogenic/Likely pathogenic. Review status: criteria provided, multiple submitters, no conflicts (2 of 4 stars). 8 submissions from 8 submitters: Pathogenic (3); Likely pathogenic (4). 1 of the submissions does not count toward it. Last evaluated 2025-12-17.

Conditions:
SKIN/HAIR/EYE PIGMENTATION 3, LIGHT/DARK SKIN (SHEP3). Also called: SKIN/HAIR/EYE PIGMENTATION 3, BLUE/GREEN EYE COLOR; SKIN/HAIR/EYE PIGMENTATION 3, FRECKLING; SKIN/HAIR/EYE PIGMENTATION, VARIATION IN, 3; EYE COLOR 1; EYE COLOR, GREEN/BLUE. Identifiers: MedGen C2677190, OMIM 601800.
Oculocutaneous albinism type 1A (OCA1A). Also called: Albinism, oculocutaneous, type IA. Identifiers: Orphanet 352731, Orphanet 79431, MedGen C4551504, MONDO:0008745, OMIM 203100. Disease mechanism: loss of function.
Oculocutaneous albinism type 1B (OCA1B). Also called: YELLOW ALBINISM; ALBINISM, OCULOCUTANEOUS, TYPE IB; ALBINISM, YELLOW MUTANT TYPE. Identifiers: Orphanet 352731, Orphanet 352737, Orphanet 79434, MedGen C1847024, MONDO:0011749, OMIM 606952.
TYR-related disorder. Also called: TYR-related condition.

Allele frequency attached by ClinVar (database versions not stated): gnomAD 0.00001; ESP Exome Variant Server 0.00008; gnomAD exomes 0.00001 and 0.00002; TOPMed 0.00001; ExAC 0.00003.
gnomAD v4.1: 9 of 1,613,406 alleles (0.00056%); highest among the groups gnomAD compares: Non-Finnish European, 0.00076%; no homozygotes.

Submissions (8):

Labcorp Genetics (formerly Invitae), Labcorp
Classification: Pathogenic. Last evaluated: 2025-12-17. Review status: criteria provided, single submitter. Criteria: Invitae Variant Classification Sherloc (09022015). Collection method: clinical testing. Allele origin: germline.
Comment: This sequence change replaces arginine, which is basic and polar, with lysine, which is basic and polar, at codon 212 of the TYR protein (p.Arg212Lys). This variant is present in population databases (rs377209424, gnomAD 0.004%). This missense change has been observed in individual(s) with ocular albinism (PMID: 13680365, 28976636). In at least one individual the data is consistent with being in trans (on the opposite chromosome) from a pathogenic variant. ClinVar contains an entry for this variant (Variation ID: 437182). Invitae Evidence Modeling of protein sequence and biophysical properties (such as structural, functional, and spatial information, amino acid conservation, physicochemical variation, residue mobility, and thermodynamic stability) indicates that this missense variant is expected to disrupt TYR protein function with a positive predictive value of 95%. This variant disrupts the p.Arg212 amino acid residue in TYR. Other variant(s) that disrupt this residue have been observed in individuals with TYR-related conditions (PMID: 19865097, 31077556, 31199599), which suggests that this may be a clinically significant amino acid residue. For these reasons, this variant has been classified as Pathogenic.

GeneDx
Classification: Likely pathogenic. Last evaluated: 2025-01-22. Review status: criteria provided, single submitter. Criteria: GeneDx Variant Classification Process June 2021. Collection method: clinical testing. Allele origin: germline. Affected: yes.
Comment: In silico analysis supports that this missense variant has a deleterious effect on protein structure/function; This variant is associated with the following publications: (PMID: 31589614, 28976636, 13680365, 34838614)

Fulgent Genetics
Classification: Likely pathogenic for Oculocutaneous albinism type 1A; SKIN/HAIR/EYE PIGMENTATION 3, LIGHT/DARK SKIN; Oculocutaneous albinism type 1B. Last evaluated: 2024-03-14. Review status: criteria provided, single submitter. Criteria: ACMG Guidelines, 2015. Collection method: clinical testing. Allele origin: germline.

Baylor Genetics
Classification: Pathogenic for SKIN/HAIR/EYE PIGMENTATION 3, LIGHT/DARK SKIN. Last evaluated: 2024-02-19. Review status: criteria provided, single submitter. Criteria: ACMG Guidelines, 2015. Collection method: clinical testing. Allele origin: unknown.

Blueprint Genetics
Classification: Pathogenic for TYR-related disorders. Last evaluated: 2023-07-10. Review status: criteria provided, single submitter. Criteria: ACMG Guidelines, 2015. Collection method: clinical testing. Allele origin: germline. Affected: yes. Observed: 1 variant allele.

Genetic Services Laboratory, University of Chicago
Classification: Likely pathogenic for Albinism, oculocutaneous, type IA. Last evaluated: 2017-03-31. Review status: criteria provided, single submitter. Criteria: ACMG Guidelines, 2015. Collection method: clinical testing. Allele origin: germline. Affected: yes.

Juno Genomics, Hangzhou Juno Genomics, Inc
Classification: Likely pathogenic for SKIN/HAIR/EYE PIGMENTATION 3, LIGHT/DARK SKIN; Oculocutaneous albinism type 1A; Oculocutaneous albinism type 1B. Review status: criteria provided, single submitter. Criteria: ACMG Guidelines, 2015. Collection method: clinical testing. Allele origin: germline. Affected: yes.
Comment: Absent from controls (or at extremely low frequency if recessive) in Genome Aggregation Database.;Multiple lines of computational evidence support a deleterious effect on the gene or gene product.;For recessive disorders, detected in trans with a pathogenic variant.;Patient's phenotype or family history is highly specific for a disease with a single genetic etiology.

PreventionGenetics, part of Exact Sciences
Classification: Pathogenic for TYR-related condition. Last evaluated: 2024-07-30. Review status: no assertion criteria provided. Collection method: clinical testing. Allele origin: germline. Not counted in ClinVar's aggregate classification.
Comment: The TYR c.635G>A variant is predicted to result in the amino acid substitution p.Arg212Lys. This variant has been reported in the compound heterozygous state in individuals with oculocutaneous albinism (King et al. 2003. PubMed ID: 13680365; Marti et al. 2017. PubMed ID: 28976636; Table S1, Wei et al. 2021. PubMed ID: 34838614). Alternate substitutions of this amino acid (p.Arg212Thr and p.Arg212Ser) have also been reported in individuals with oculocutaneous albinism (Wei et al. 2010. PubMed ID: 19865097; Lin et al 2019. PubMed ID: 31199599). This variant is reported in 0.0039% of alleles in individuals of European (Non-Finnish) descent in gnomAD. Given the evidence, we interpret this variant as pathogenic.

Literature cited by the submitters: PubMed 13680365 (cited by Labcorp Genetics (formerly Invitae), Labcorp); PubMed 28976636 (cited by Labcorp Genetics (formerly Invitae), Labcorp); PubMed 19865097 (cited by Labcorp Genetics (formerly Invitae), Labcorp); PubMed 31077556 (cited by Labcorp Genetics (formerly Invitae), Labcorp); PubMed 31199599 (cited by Labcorp Genetics (formerly Invitae), Labcorp).